The following is an entry in ClinVar:

NM_033028.5(BBS4):c.864G>A (p.Ala288=)

Gene: BBS4 (Bardet-Biedl syndrome 4; plus strand). Cytogenetic location: 15q24.1.
Variant type: single nucleotide variant.
Coding change: c.864G>A on transcript NM_033028.5 (MANE Select); coding-DNA position 864, G replaced by A.
Protein change: p.Ala288=; no amino-acid change (alanine 288 retained).
Molecular consequence: synonymous variant. On other transcripts: non-coding transcript variant (2).
Genome position (GRCh38, 1-based): chr15:72,731,457, G>A. VCF-style: chr15-72731457-G-A. GRCh37 (hg19) VCF-style: chr15-73023798-G-A.
Other names: c.348G>A, p.Ala116= (NM_001252678.2); c.795G>A, p.Ala265= (NM_001320665.2).
Identifiers: ClinVar variation 531818 (VCV000531818.21), dbSNP rs141345544, ClinGen allele CA7646809.

ClinVar aggregate classification (germline): Conflicting classifications of pathogenicity. Review status: criteria provided, conflicting classifications (1 of 4 stars). 5 submissions from 5 submitters: Uncertain significance (2); Likely benign (3). Last evaluated 2026-03-01.

Conditions:
Bardet-Biedl syndrome (BBS). Identifiers: Orphanet 110, MedGen C0752166, MONDO:0015229.
Bardet-Biedl syndrome 4 (BBS4). Identifiers: Orphanet 110, MedGen C2936864, MONDO:0014433, OMIM 615982.

Allele frequency attached by ClinVar (database versions not stated): gnomAD exomes 0.00009 and 0.00022; 1000 Genomes Project 30x 0.00016; 1000 Genomes Project 0.00020; ExAC 0.00026; ESP Exome Variant Server 0.00062; TOPMed 0.00080.
gnomAD v4.1: 250 of 1,614,118 alleles (0.015%); highest among the groups gnomAD compares: African/African-American, 0.27%; 1 homozygote.

Submissions (7):

CeGaT Center for Human Genetics Tuebingen
Classification: Likely benign. Last evaluated: 2026-03-01. Review status: criteria provided, single submitter. Criteria: CeGaT Center For Human Genetics Tuebingen Variant Classification Criteria Version 2. Collection method: clinical testing. Allele origin: germline. Affected: yes. Observed: 1 variant allele.
Comment: BBS4: BP4, BP7

Labcorp Genetics (formerly Invitae), Labcorp
Classification: Likely benign for Bardet-Biedl syndrome. Last evaluated: 2026-01-26. Review status: criteria provided, single submitter. Criteria: Invitae Variant Classification Sherloc (09022015). Collection method: clinical testing. Allele origin: germline.

Blueprint Genetics
Classification: Likely benign. Last evaluated: 2024-07-05. Review status: criteria provided, single submitter. Criteria: ACMG Guidelines, 2015. Collection method: clinical testing. Allele origin: germline.

New York Genome Center
Classification: Uncertain significance for Bardet-Biedl syndrome 4. Last evaluated: 2021-12-20. Review status: criteria provided, single submitter. Criteria: NYGC Assertion Criteria 2020. Collection method: clinical testing. Allele origin: germline. Observed: 1 variant allele.

GeneDx
Classification: Uncertain significance. Last evaluated: 2020-12-31. Review status: criteria provided, single submitter. Criteria: GeneDx Variant Classification Process June 2021. Collection method: clinical testing. Allele origin: germline. Affected: yes.
Comment: Has not been previously published as pathogenic or benign to our knowledge; In-silico analysis, which includes splice predictors and evolutionary conservation, is inconclusive as to whether the variant alters gene splicing. In the absence of RNA/functional studies, the actual effect of this sequence change is unknown.

Dr. Peter K. Rogan Lab, Western University
No classification provided (evidence only). Condition: Familial cancer of breast. Review status: no classification provided. Collection method: in vitro. Allele origin: not applicable. Functional consequence: retained intron. Not counted in ClinVar's aggregate classification.

Dr. Peter K. Rogan Lab, Western University
No classification provided (evidence only). Condition: Thyroid cancer, nonmedullary, 1. Review status: no classification provided. Collection method: in vitro. Allele origin: not applicable. Functional consequence: retained intron. Not counted in ClinVar's aggregate classification.